The following is an entry in ClinVar:

ClinVar aggregate classification (germline): Uncertain significance. Review status: criteria provided, multiple submitters, no conflicts (2 of 4 stars). 3 submissions from 3 submitters: Uncertain significance (3). Last evaluated 2024-10-29.

Conditions:
Cardiovascular phenotype. Identifiers: MedGen CN230736.

Allele frequency attached by ClinVar (database versions not stated): gnomAD 0.00001; TOPMed 0.00001.
gnomAD v4.1: 4 of 1,549,504 alleles (0.00026%); highest among the groups gnomAD compares: Non-Finnish European, 0.00035%; no homozygotes.

Submissions (3):

GeneDx
Classification: Uncertain significance. Last evaluated: 2024-10-29. Review status: criteria provided, single submitter. Criteria: GeneDx Variant Classification Process June 2021. Collection method: clinical testing. Allele origin: germline. Affected: yes.
Comment: Not observed at significant frequency in large population cohorts (gnomAD); In silico analysis indicates that this missense variant does not alter protein structure/function; Has not been previously published as pathogenic or benign to our knowledge

Labcorp Genetics (formerly Invitae), Labcorp
Classification: Uncertain significance. Last evaluated: 2022-10-27. Review status: criteria provided, single submitter. Criteria: Invitae Variant Classification Sherloc (09022015). Collection method: clinical testing. Allele origin: germline.
Comment: In summary, the available evidence is currently insufficient to determine the role of this variant in disease. Therefore, it has been classified as a Variant of Uncertain Significance. Algorithms developed to predict the effect of missense changes on protein structure and function (SIFT, PolyPhen-2, Align-GVGD) all suggest that this variant is likely to be tolerated. This variant has not been reported in the literature in individuals affected with ZNF469-related conditions. This variant is not present in population databases (gnomAD no frequency). This sequence change replaces aspartic acid, which is acidic and polar, with asparagine, which is neutral and polar, at codon 1173 of the ZNF469 protein (p.Asp1173Asn).

Ambry Genetics
Classification: Uncertain significance for Cardiovascular phenotype. Last evaluated: 2020-08-26. Review status: criteria provided, single submitter. Criteria: Ambry Variant Classification Scheme 2023. Collection method: clinical testing. Allele origin: germline.
Comment: The p.D1173N variant (also known as c.3517G>A), located in coding exon 2 of the ZNF469 gene, results from a G to A substitution at nucleotide position 3517. The aspartic acid at codon 1173 is replaced by asparagine, an amino acid with highly similar properties. This amino acid position is poorly conserved in available vertebrate species. In addition, this alteration is predicted to be tolerated by in silico analysis. Since supporting evidence is limited at this time, the clinical significance of this alteration remains unclear.

NM_001367624.2(ZNF469):c.3601G>A (p.Asp1201Asn)

Gene: ZNF469 (zinc finger protein 469; plus strand). Cytogenetic location: 16q24.2.
Variant type: single nucleotide variant.
Coding change: c.3601G>A on transcript NM_001367624.2 (MANE Select); coding-DNA position 3601, G replaced by A.
Protein change: p.Asp1201Asn; replaces aspartic acid 1201 with asparagine.
Molecular consequence: missense variant.
Genome position (GRCh38, 1-based): chr16:88,431,071, G>A. VCF-style: chr16-88431071-G-A. GRCh37 (hg19) VCF-style: chr16-88497479-G-A.
Other names: NM_001127464.1:c.3517G>A; short protein forms D1201N.
Identifiers: ClinVar variation 1732219 (VCV001732219.8), dbSNP rs758315492, ClinGen allele CA286375047.
Genomic context (GRCh38, chr16:88,431,071, plus strand): 5'-GGAGCGGCCGCCAGGGAGGGAGGCCCCAAGTGTGCTGATCGCCCCTCAGTGGCCCCCAAG[G>A]ATCCCCTGCAGGTCCCCACCAACACCGAGACCTCAGAGGAAACCCGCCCGTCGCTGGACT-3'
Protein context (NP_001354553.1, residues 1191-1211): CADRPSVAPK[Asp1201Asn]PLQVPTNTET